The following is an entry in ClinVar:

NM_017514.5(PLXNA3):c.2624G>A (p.Arg875Gln)

Gene: PLXNA3 (plexin A3; plus strand). Cytogenetic location: Xq28.
Variant type: single nucleotide variant.
Coding change: c.2624G>A on transcript NM_017514.5 (MANE Select); coding-DNA position 2624, G replaced by A.
Protein change: p.Arg875Gln; replaces arginine 875 with glutamine.
Molecular consequence: missense variant.
Genome position (GRCh38, 1-based): chrX:154,466,026, G>A. VCF-style: chrX-154466026-G-A. GRCh37 (hg19) VCF-style: chrX-153694369-G-A.
Other names: c.2624G>A (NM_017514.3); short protein forms R875Q.
Identifiers: ClinVar variation 3351035 (VCV003351035.2).

ClinVar aggregate classification (germline): Uncertain significance. Review status: criteria provided, single submitter (1 of 4 stars). 2 submissions from 2 submitters: Uncertain significance (1). 1 of the submissions does not count toward it. Last evaluated 2025-11-20.

Conditions:
PLXNA3-related disorder. Also called: PLXNA3-related condition.

gnomAD v4.1: 16 of 1,209,132 alleles (0.0013%); highest among the groups gnomAD compares: Middle Eastern, 0.023%; no homozygotes.

Submissions (2):

Ambry Genetics
Classification: Uncertain significance. Last evaluated: 2025-11-20. Review status: criteria provided, single submitter. Criteria: Ambry Variant Classification Scheme 2023. Collection method: clinical testing. Allele origin: germline.

PreventionGenetics, part of Exact Sciences
Classification: Uncertain significance for PLXNA3-related condition. Last evaluated: 2024-06-21. Review status: no assertion criteria provided. Collection method: clinical testing. Allele origin: germline. Not counted in ClinVar's aggregate classification.
Comment: The PLXNA3 c.2624G>A variant is predicted to result in the amino acid substitution p.Arg875Gln. To our knowledge, this variant has not been reported in the literature. This variant is reported in 0.0077% of alleles in individuals of African descent in gnomAD, including one hemizygous individual. Of note a different variant at the same amino acid position (p.Arg875Trp) has been reported in a patient with intellectual disability and autistic features (Patient UPN-1864 in Table 1, Monies et al 2019. PubMed ID: 31130284). At this time, the clinical significance of the c.2624G>A (p.Arg875Gln) variant is uncertain due to the absence of conclusive functional and genetic evidence.